The following is an entry in ClinVar:

NM_003074.4(SMARCC1):c.568C>T (p.Arg190Ter)

Gene: SMARCC1 (SWI/SNF related BAF chromatin remodeling complex subunit C1; minus strand). Cytogenetic location: 3p21.31.
Variant type: single nucleotide variant.
Coding change: c.568C>T on transcript NM_003074.4 (MANE Select); coding-DNA position 568, C replaced by T.
Protein change: p.Arg190Ter; replaces arginine 190 with a stop codon.
Molecular consequence: nonsense.
Genome position (GRCh38, 1-based): chr3:47,736,042, G>A on the plus strand (C>T on the coding strand, the complement: SMARCC1 is on the minus strand). VCF-style: chr3-47736042-G-A. GRCh37 (hg19) VCF-style: chr3-47777532-G-A.
Other names: short protein forms R190*.
Identifiers: ClinVar variation 4990586 (VCV004990586.1).
Genomic context (GRCh38, chr3:47,736,042, plus strand): 5'-ACAAAATGAAGTGATCGTGTCTATTATTATCTGAAGTGATTGTGTCTATTACCTGATGTC[G>A]TTTGATGATATCTTTCAATTTGTTAGCCAACTTCAGATCAATGTCTGGAATGAGGTAGAT-3'

ClinVar aggregate classification (germline): Likely pathogenic (1 of 4 stars; one submission).

Conditions:
SMARCC1-related disorder. Also called: SMARCC1-related condition.

gnomAD v4.1: 4 of 1,538,844 alleles (0.00026%); highest among the groups gnomAD compares: Non-Finnish European, 0.00036%; no homozygotes.

Submission:

PreventionGenetics, part of Exact Sciences
Classification: Likely pathogenic for SMARCC1-related condition. Last evaluated: 2025-05-01. Review status: criteria provided, single submitter. Criteria: ACMG Guidelines, 2015. Collection method: clinical testing. Allele origin: germline.
Comment: The SMARCC1 c.568C>T variant is predicted to result in premature protein termination (p.Arg190*). To our knowledge, this variant has not been reported in the literature or in a large population database (gnomAD), indicating this variant is rare. Nonsense variants and other loss of function variants in SMARCC1 are expected to be pathogenic, though are noted to have incomplete penetrance (Furey et al. 2018. PubMed ID: 29983323; Rive Le Gouard et al. 2023. PubMed ID: 37285932; Hourvitz et al. 2023. PubMed ID: 37639281). This variant is interpreted as likely pathogenic.